The following is an entry in ClinVar:

NM_001378454.1(ALMS1):c.5641C>T (p.Pro1881Ser)

Gene: ALMS1 (ALMS1 centrosome and basal body associated protein; plus strand). Cytogenetic location: 2p13.1.
Variant type: single nucleotide variant.
Coding change: c.5641C>T on transcript NM_001378454.1 (MANE Select); coding-DNA position 5641, C replaced by T.
Protein change: p.Pro1881Ser; replaces proline 1881 with serine.
Molecular consequence: missense variant.
Genome position (GRCh38, 1-based): chr2:73,452,168, C>T. VCF-style: chr2-73452168-C-T. GRCh37 (hg19) VCF-style: chr2-73679295-C-T.
Other names: c.5644C>T, p.Pro1882Ser (NM_015120.4); short protein forms P1881S, P1882S.
Identifiers: ClinVar variation 2106536 (VCV002106536.4), dbSNP rs2466106060, ClinGen allele CA347282820.
Genomic context (GRCh38, chr2:73,452,168, plus strand): 5'-TATGAGCAGGAGTTGCCAGATCTTACTGAAGTAACTTTGAAAGCAATAGGGGTTCCTGGG[C>T]CTGCTGACCAGAAGACTGGGATACAAATAGCATCCTCTAGTTCCTACTCAAATAGAGAGA-3'
Protein context (NP_001365383.1, residues 1871-1891): VTLKAIGVPG[Pro1881Ser]ADQKTGIQIA

ClinVar aggregate classification (germline): Uncertain significance (1 of 4 stars; one submission).

Conditions:
Alstrom syndrome (ALMS). Identifiers: Orphanet 64, MedGen C0268425, MONDO:0008763, OMIM 203800.

Submission:

Labcorp Genetics (formerly Invitae), Labcorp
Classification: Uncertain significance for Alstrom syndrome. Last evaluated: 2022-03-04. Review status: criteria provided, single submitter. Criteria: Invitae Variant Classification Sherloc (09022015). Collection method: clinical testing. Allele origin: germline.
Comment: This sequence change replaces proline, which is neutral and non-polar, with serine, which is neutral and polar, at codon 1882 of the ALMS1 protein (p.Pro1882Ser). This variant is not present in population databases (gnomAD no frequency). This variant has not been reported in the literature in individuals affected with ALMS1-related conditions. Experimental studies and prediction algorithms are not available or were not evaluated, and the functional significance of this variant is currently unknown. In summary, the available evidence is currently insufficient to determine the role of this variant in disease. Therefore, it has been classified as a Variant of Uncertain Significance.